The following is an entry in ClinVar:

NM_006019.4(TCIRG1):c.37G>A (p.Val13Ile)

Gene: TCIRG1 (T cell immune regulator 1, ATPase H+ transporting V0 subunit a3; plus strand). Cytogenetic location: 11q13.2.
Variant type: single nucleotide variant.
Coding change: c.37G>A on transcript NM_006019.4 (MANE Select); coding-DNA position 37, G replaced by A.
Protein change: p.Val13Ile; replaces valine 13 with isoleucine.
Molecular consequence: missense variant. On other transcripts: 5 prime UTR variant (1).
Genome position (GRCh38, 1-based): chr11:68,041,308, G>A. VCF-style: chr11-68041308-G-A. GRCh37 (hg19) VCF-style: chr11-67808775-G-A.
Other names: c.-1213G>A (NM_001351059.2); short protein forms V13I.
Identifiers: ClinVar variation 2413838 (VCV002413838.3), dbSNP rs1356265373, ClinGen allele CA381572642.

ClinVar aggregate classification (germline): Uncertain significance (1 of 4 stars; one submission).

Allele frequency attached by ClinVar (database versions not stated): gnomAD exomes below 0.00001.
gnomAD v4.1: 7 of 1,613,210 alleles (0.00043%); highest among the groups gnomAD compares: Non-Finnish European, 0.00051%; no homozygotes.

Submission:

Labcorp Genetics (formerly Invitae), Labcorp
Classification: Uncertain significance. Last evaluated: 2022-01-11. Review status: criteria provided, single submitter. Criteria: Invitae Variant Classification Sherloc (09022015). Collection method: clinical testing. Allele origin: germline.
Comment: In summary, the available evidence is currently insufficient to determine the role of this variant in disease. Therefore, it has been classified as a Variant of Uncertain Significance. Algorithms developed to predict the effect of missense changes on protein structure and function (SIFT, PolyPhen-2, Align-GVGD) all suggest that this variant is likely to be tolerated. This variant has not been reported in the literature in individuals affected with TCIRG1-related conditions. This variant is present in population databases (no rsID available, gnomAD 0.0009%). This sequence change replaces valine, which is neutral and non-polar, with isoleucine, which is neutral and non-polar, at codon 13 of the TCIRG1 protein (p.Val13Ile).